The following is an entry in ClinVar:

NM_031935.3(HMCN1):c.1755T>A (p.Asp585Glu)

Gene: HMCN1 (hemicentin 1; plus strand). Cytogenetic location: 1q31.1.
Variant type: single nucleotide variant.
Coding change: c.1755T>A on transcript NM_031935.3 (MANE Select); coding-DNA position 1755, T replaced by A.
Protein change: p.Asp585Glu; replaces aspartic acid 585 with glutamic acid.
Molecular consequence: missense variant.
Genome position (GRCh38, 1-based): chr1:185,933,751, T>A. VCF-style: chr1-185933751-T-A. GRCh37 (hg19) VCF-style: chr1-185902883-T-A.
Other names: c.1755T>A (NM_031935.2); short protein forms D585E.
Identifiers: ClinVar variation 1405887 (VCV001405887.7), dbSNP rs371997839, ClinGen allele CA1291194.

ClinVar aggregate classification (germline): Uncertain significance. Review status: criteria provided, multiple submitters, no conflicts (2 of 4 stars). 2 submissions from 2 submitters: Uncertain significance (2). Last evaluated 2025-04-16.

Allele frequency attached by ClinVar (database versions not stated): TOPMed 0.00002; ExAC 0.00003; gnomAD 0.00004; gnomAD exomes 0.00005; ESP Exome Variant Server 0.00008.
gnomAD v4.1: 96 of 1,613,862 alleles (0.0059%); highest among the groups gnomAD compares: Non-Finnish European, 0.0076%; no homozygotes.

Submissions (2):

Labcorp Genetics (formerly Invitae), Labcorp
Classification: Uncertain significance. Last evaluated: 2025-04-16. Review status: criteria provided, single submitter. Criteria: Invitae Variant Classification Sherloc (09022015). Collection method: clinical testing. Allele origin: germline.
Comment: This sequence change replaces aspartic acid, which is acidic and polar, with glutamic acid, which is acidic and polar, at codon 585 of the HMCN1 protein (p.Asp585Glu). This variant is present in population databases (rs371997839, gnomAD 0.01%). This variant has not been reported in the literature in individuals affected with HMCN1-related conditions. ClinVar contains an entry for this variant (Variation ID: 1405887). An algorithm developed to predict the effect of missense changes on protein structure and function (PolyPhen-2) suggests that this variant is likely to be disruptive. In summary, the available evidence is currently insufficient to determine the role of this variant in disease. Therefore, it has been classified as a Variant of Uncertain Significance.

Ambry Genetics
Classification: Uncertain significance. Last evaluated: 2024-12-31. Review status: criteria provided, single submitter. Criteria: Ambry Variant Classification Scheme 2023. Collection method: clinical testing. Allele origin: germline.